The following is an entry in ClinVar:

ClinVar aggregate classification (germline): Conflicting classifications of pathogenicity. Review status: criteria provided, conflicting classifications (1 of 4 stars). 3 submissions from 3 submitters: Uncertain significance (2); Likely benign (1). Last evaluated 2025-05-21.

Conditions:
Inborn genetic diseases. Identifiers: MedGen C0950123, MeSH D030342.

Allele frequency attached by ClinVar (database versions not stated): gnomAD 0.00003; TOPMed 0.00004; ExAC 0.00013.
gnomAD v4.1: 30 of 1,467,524 alleles (0.002%); highest among the groups gnomAD compares: African/African-American, 0.0045%; no homozygotes.

Submissions (3):

GeneDx
Classification: Uncertain significance. Last evaluated: 2025-05-21. Review status: criteria provided, single submitter. Criteria: GeneDx Variant Classification Process June 2021. Collection method: clinical testing. Allele origin: germline. Affected: yes.
Comment: In silico analysis suggests that this missense variant does not alter protein structure/function; Has not been previously published as pathogenic or benign to our knowledge

Ambry Genetics
Classification: Uncertain significance for Inborn genetic diseases. Last evaluated: 2025-01-18. Review status: criteria provided, single submitter. Criteria: Ambry Variant Classification Scheme 2023. Collection method: clinical testing. Allele origin: germline.

Labcorp Genetics (formerly Invitae), Labcorp
Classification: Likely benign. Last evaluated: 2023-11-01. Review status: criteria provided, single submitter. Criteria: Invitae Variant Classification Sherloc (09022015). Collection method: clinical testing. Allele origin: germline.

NM_016239.4(MYO15A):c.2453G>A (p.Arg818His)

Gene: MYO15A (myosin XVA; plus strand). Cytogenetic location: 17p11.2.
Variant type: single nucleotide variant.
Coding change: c.2453G>A on transcript NM_016239.4 (MANE Select); coding-DNA position 2453, G replaced by A.
Protein change: p.Arg818His; replaces arginine 818 with histidine.
Molecular consequence: missense variant.
Genome position (GRCh38, 1-based): chr17:18,121,253, G>A. VCF-style: chr17-18121253-G-A. GRCh37 (hg19) VCF-style: chr17-18024567-G-A.
Other names: c.2453G>A (NM_016239.3); short protein forms R818H.
Identifiers: ClinVar variation 2915736 (VCV002915736.5), dbSNP rs754908088, ClinGen allele CA8423269.